The following is an entry in ClinVar:

ClinVar aggregate classification (germline): Pathogenic (1 of 4 stars; one submission).

Submission:

Labcorp Genetics (formerly Invitae), Labcorp
Classification: Pathogenic. Last evaluated: 2023-04-19. Review status: criteria provided, single submitter. Criteria: Invitae Variant Classification Sherloc (09022015). Collection method: clinical testing. Allele origin: germline.
Comment: This variant is not present in population databases (gnomAD no frequency). For these reasons, this variant has been classified as Pathogenic. This variant has not been reported in the literature in individuals affected with OCA2-related conditions. This sequence change creates a premature translational stop signal (p.Pro541Glnfs*5) in the OCA2 gene. It is expected to result in an absent or disrupted protein product. Loss-of-function variants in OCA2 are known to be pathogenic (PMID: 19865097, 21541274).

Literature cited by the submitters: PubMed 19865097; PubMed 21541274.

NM_000275.3(OCA2):c.1615_1621dup (p.Pro541fs)

Gene: OCA2 (OCA2 melanosomal transmembrane protein; minus strand). Cytogenetic location: 15q13.1.
Variant type: Duplication.
Coding change: c.1615_1621dup on transcript NM_000275.3 (MANE Select); coding-DNA positions 1615 to 1621, 7 bases duplicated (AAGGAAC; older notation c.1615_1621dupAAGGAAC).
Protein change: p.Pro541fs; shifts the reading frame from proline 541.
Molecular consequence: frameshift variant.
Genome position (GRCh38, 1-based): chr15:27,966,705-27,966,711, GTTCCTT duplicated on the plus strand (AAGGAAC on the coding strand, the reverse complement: OCA2 is on the minus strand); duplicating any 7 consecutive bases within chr15:27,966,705-27,966,714 gives the same sequence; the c. name uses the placement nearest the transcript's 3' end. VCF-style (leftmost placement, unchanged base first): chr15-27966704-G-GGTTCCTT. GRCh37 (hg19) VCF-style: chr15-28211850-G-GGTTCCTT.
Other names: c.1543_1549dup, p.Pro517fs (NM_001300984.2); short protein forms P541fs, P517fs.
Identifiers: ClinVar variation 2857814 (VCV002857814.3), dbSNP rs2506825899, ClinGen allele CA2739279839.